The following is an entry in ClinVar:

NM_153704.6(TMEM67):c.958A>T (p.Ser320Cys)

Gene: TMEM67 (transmembrane protein 67; plus strand). Cytogenetic location: 8q22.1.
Variant type: single nucleotide variant.
Coding change: c.958A>T on transcript NM_153704.6 (MANE Select); coding-DNA position 958, A replaced by T.
Protein change: p.Ser320Cys; replaces serine 320 with cysteine.
Molecular consequence: missense variant. On other transcripts: non-coding transcript variant (1).
Genome position (GRCh38, 1-based): chr8:93,780,962, A>T. VCF-style: chr8-93780962-A-T. GRCh37 (hg19) VCF-style: chr8-94793190-A-T.
Other names: c.715A>T, p.Ser239Cys (NM_001142301.1); short protein forms S320C, S239C.
Identifiers: ClinVar variation 1377 (VCV000001377.59), dbSNP rs111619594, ClinGen allele CA114968.

ClinVar aggregate classification (germline): Conflicting classifications of pathogenicity. Review status: criteria provided, conflicting classifications (1 of 4 stars). 18 submissions from 16 submitters: Uncertain significance (12); Likely benign (2). 4 of the submissions do not count toward it. Last evaluated 2026-05-08.

Conditions:
Meckel syndrome, type 3 (MKS3). Also called: MECKEL-GRUBER SYNDROME, TYPE 3. Identifiers: Orphanet 564, MedGen C1846357, MONDO:0011821, OMIM 607361.
COACH syndrome 1. Identifiers: Orphanet 1454, MedGen C5435651, MONDO:0800103, OMIM 216360, MONDO:0008996.
Bardet-Biedl syndrome 14 (BBS14). Identifiers: Orphanet 110, MedGen C2673874, MONDO:0014442, OMIM 615991.
Joubert syndrome 6 (JBTS6). Identifiers: Orphanet 475, MedGen C1853153, MONDO:0012539, OMIM 610688.
Nephronophthisis 11 (NPHP11). Identifiers: Orphanet 84081, MedGen C3150796, MONDO:0013302, OMIM 613550.
RHYNS syndrome. Also called: RETINITIS PIGMENTOSA SYNDROME; RETINITIS PIGMENTOSA, HYPOPITUITARISM, NEPHRONOPHTHISIS, AND MILD SKELETAL DYSPLASIA. Identifiers: Orphanet 140976, MedGen C1865794, MONDO:0011202, OMIM 602152.
TMEM67-related disorder. Also called: TMEM67-related disorders; TMEM67-related condition. Identifiers: MedGen CN239423.
Meckel-Gruber syndrome. Also called: GRUBER SYNDROME; Dysencephalia splachnocystica; DYSENCEPHALIA SPLANCHNOCYSTICA. Identifiers: Orphanet 564, MedGen C0265215, MONDO:0018921.
Joubert syndrome. Also called: JOUBERT-BOLTSHAUSER SYNDROME; Familial aplasia of the vermis. Identifiers: Orphanet 475, MedGen C5979921, MONDO:0018772.
Nephronophthisis. Also called: Juvenile Nephronophthisis. Identifiers: Orphanet 655, MedGen C0687120, MONDO:0019005, HP:0000090.
Bardet-Biedl syndrome 14, modifier of. Identifiers: MedGen C4017203.

Allele frequency attached by ClinVar (database versions not stated): gnomAD exomes 0.00024 and 0.00039; gnomAD 0.00087 and 0.00089; TOPMed 0.00093; 1000 Genomes Project 0.00120; 1000 Genomes Project 30x 0.00094; ExAC 0.00045.
gnomAD v4.1: 486 of 1,609,204 alleles (0.03%); highest among the groups gnomAD compares: African/African-American, 0.27%; 1 homozygote.

Submissions (20):

PreventionGenetics, part of Exact Sciences
Classification: Likely benign for TMEM67-related condition. Last evaluated: 2026-05-08. Review status: criteria provided, single submitter. Criteria: ACMG Guidelines, 2015. Collection method: clinical testing. Allele origin: germline.
Comment: This variant is classified as likely benign based on ACMG/AMP sequence variant interpretation guidelines (Richards et al. 2015 PMID: 25741868, with internal and published modifications).

Labcorp Genetics (formerly Invitae), Labcorp
Classification: Likely benign for Joubert syndrome; Meckel-Gruber syndrome. Last evaluated: 2026-01-11. Review status: criteria provided, single submitter. Criteria: Invitae Variant Classification Sherloc (09022015). Collection method: clinical testing. Allele origin: germline.

GeneDx
Classification: Uncertain significance. Last evaluated: 2025-08-01. Review status: criteria provided, single submitter. Criteria: GeneDx Variant Classification Process June 2021. Collection method: clinical testing. Allele origin: germline. Affected: yes.
Comment: Observed in an individual with a clinical diagnosis of Bardet-Biedl syndrome who was found to have another TMEM67 variant (G218A) on the same allele (in cis), and had a different genetic etiology for the phenotype (PMID: 18327255); Reported in a patient with microcephaly, psychomotor delay, optic atrophy, and is small for gestational age in the published literature who had a different genetic etiology for their phenotype (PMID: 22700954); In silico analysis supports that this missense variant has a deleterious effect on protein structure/function; This variant is associated with the following publications: (PMID: 20981092, 20690115, 27336129, 20301537, 34426522, 18327255, 30476936, 22700954)

Blueprint Genetics
Classification: Uncertain significance. Last evaluated: 2024-10-21. Review status: criteria provided, single submitter. Criteria: ACMG Guidelines, 2015. Collection method: clinical testing. Allele origin: germline.

Genomic Medicine Center of Excellence, King Faisal Specialist Hospital and Research Centre
Classification: Uncertain significance for COACH syndrome 1. Last evaluated: 2024-03-29. Review status: criteria provided, single submitter. Criteria: ACMG Guidelines, 2015. Collection method: clinical testing. Allele origin: germline.

Women's Health and Genetics/Laboratory Corporation of America, LabCorp
Classification: Uncertain significance. Last evaluated: 2023-12-15. Review status: criteria provided, single submitter. Criteria: LabCorp Variant Classification Summary - May 2015. Collection method: clinical testing. Allele origin: germline.
Comment: Variant summary: TMEM67 c.958A>T (p.Ser320Cys) results in a non-conservative amino acid change in the encoded protein sequence. Five of five in-silico tools predict a damaging effect of the variant on protein function. The variant allele was found at a frequency of 0.00039 in 251056 control chromosomes. This frequency is not significantly higher than estimated for a pathogenic variant in TMEM67 causing Joubert Syndrome 6 (0.00039 vs 0.004), allowing no conclusion about variant significance. c.958A>T has been reported in the literature in individuals affected with Bardet-Biedl syndrome and Cohen syndrome, in which pathogenic variants from other genes were identified to be the genetic cause (example, Dixon-Salazar_2012, Leitch_2008). These report(s) do not provide unequivocal conclusions about association of the variant with Joubert Syndrome 6. At least one publication reports experimental evidence evaluating an impact on protein function, however, does not allow convincing conclusions about the variant effect as the Zebrafish modeling and the rescuing phenotype of developmental delay are not appropriate for evaluating this variant (Leitch_2008). The following publications have been ascertained in the context of this evaluation (PMID: 22700954, 18327255). Eight submitters have cited clinical-significance assessments for this variant to ClinVar after 2014 (VUS, n=7, Likely benign, n=1). Based on the evidence outlined above, the variant was classified as uncertain significance.

CeGaT Center for Human Genetics Tuebingen
Classification: Uncertain significance. Last evaluated: 2023-10-01. Review status: criteria provided, single submitter. Criteria: CeGaT Center For Human Genetics Tuebingen Variant Classification Criteria Version 2. Collection method: clinical testing. Allele origin: germline. Affected: yes. Observed: 2 variant alleles.

Department of Pathology and Laboratory Medicine, Sinai Health System
Classification: Uncertain significance for COACH syndrome 1; RHYNS syndrome; Meckel syndrome, type 3; Joubert syndrome 6; Nephronophthisis 11; Bardet-Biedl syndrome 14. Last evaluated: 2020-08-20. Review status: criteria provided, single submitter. Criteria: ACMG Guidelines, 2015. Collection method: research. Allele origin: germline.

Baylor Genetics
Classification: Uncertain significance for COACH syndrome 1. Last evaluated: 2019-12-26. Review status: criteria provided, single submitter. Criteria: ACMG Guidelines, 2015. Collection method: clinical testing. Allele origin: unknown. Affected: yes.
Comment: This variant was determined to be of uncertain significance according to ACMG Guidelines, 2015 [PMID:25741868].

Centre for Mendelian Genomics, University Medical Centre Ljubljana
Classification: Uncertain significance for RHYNS syndrome. Last evaluated: 2019-10-02. Review status: criteria provided, single submitter. Criteria: ACMG Guidelines, 2015. Collection method: clinical testing. Allele origin: unknown. Affected: yes.
Comment: This variant was classified as: Uncertain significance. The available evidence on this variant's pathogenicity is insufficient or conflicting. The following ACMG criteria were applied in classifying this variant: PP3.

Eurofins Ntd Llc (ga)
Classification: Uncertain significance. Last evaluated: 2018-06-29. Review status: criteria provided, single submitter. Criteria: EGL ClinVar v180209 classification definitions. Collection method: clinical testing. Allele origin: germline. Observed: 2 variant alleles, 2 heterozygotes.

Illumina Laboratory Services, Illumina
Classification: Uncertain significance for Joubert syndrome 6. Last evaluated: 2017-04-28. Review status: criteria provided, single submitter. Criteria: ICSL Variant Classification Criteria 13 December 2019. Collection method: clinical testing. Allele origin: germline.

Illumina Laboratory Services, Illumina
Classification: Uncertain significance for Meckel syndrome, type 3. Last evaluated: 2017-04-28. Review status: criteria provided, single submitter. Criteria: ICSL Variant Classification Criteria 13 December 2019. Collection method: clinical testing. Allele origin: germline.

Illumina Laboratory Services, Illumina
Classification: Uncertain significance for Nephronophthisis 11. Last evaluated: 2017-04-28. Review status: criteria provided, single submitter. Criteria: ICSL Variant Classification Criteria 13 December 2019. Collection method: clinical testing. Allele origin: germline.

OMIM
Classification: risk factor for BARDET-BIEDL SYNDROME 14, MODIFIER OF. Last evaluated: 2008-04-01. Review status: no assertion criteria provided. Collection method: literature only. Allele origin: germline. Not counted in ClinVar's aggregate classification.

Clinical Genetics DNA and cytogenetics Diagnostics Lab, Erasmus MC, Erasmus Medical Center
Classification: Uncertain significance. Review status: no assertion criteria provided. Collection method: clinical testing. Allele origin: germline. Affected: yes. Study: VKGL Data-share Consensus. Not counted in ClinVar's aggregate classification.

Dr. Peter K. Rogan Lab, Western University
No classification provided (evidence only). Condition: Thyroid cancer, nonmedullary, 1. Review status: no classification provided. Collection method: in vitro. Allele origin: not applicable. Functional consequence: retained intron. Not counted in ClinVar's aggregate classification.

Dr. Peter K. Rogan Lab, Western University
No classification provided (evidence only). Condition: Familial pancreatic carcinoma. Review status: no classification provided. Collection method: in vitro. Allele origin: not applicable. Functional consequence: skipped exon. Not counted in ClinVar's aggregate classification.

GeneReviews
No classification provided. Condition: Nephronophthisis. Review status: no classification provided. Collection method: literature only. Allele origin: germline. Affected: yes. Not counted in ClinVar's aggregate classification.

Joint Genome Diagnostic Labs from Nijmegen and Maastricht, Radboudumc and MUMC+
Classification: Uncertain significance. Review status: no assertion criteria provided. Collection method: clinical testing. Allele origin: germline. Affected: yes. Study: VKGL Data-share Consensus. Not counted in ClinVar's aggregate classification.

Literature cited by the submitters: PubMed 18327255 (cited by 3 submitters); PubMed 22700954 (cited by Women's Health and Genetics/Laboratory Corporation of America, LabCorp); NCBI Bookshelf NBK368475 (cited by GeneReviews).